The following is an entry in ClinVar:

NM_000057.4(BLM):c.3892G>A (p.Gly1298Arg)

Gene: BLM (BLM RecQ like helicase; plus strand). Cytogenetic location: 15q26.1.
Variant type: single nucleotide variant.
Coding change: c.3892G>A on transcript NM_000057.4 (MANE Select); coding-DNA position 3892, G replaced by A.
Protein change: p.Gly1298Arg; replaces glycine 1298 with arginine.
Molecular consequence: missense variant.
Genome position (GRCh38, 1-based): chr15:90,811,222, G>A. VCF-style: chr15-90811222-G-A. GRCh37 (hg19) VCF-style: chr15-91354452-G-A.
Other names: p.G1298R:GGG>AGG; c.3892G>A, p.Gly1298Arg (NM_001287246.2); c.3499G>A, p.Gly1167Arg (NM_001287247.2); c.2767G>A, p.Gly923Arg (NM_001287248.2); c.3892G>A (LRG_20t1); short protein forms G1298R, G1167R, G923R.
Identifiers: ClinVar variation 127505 (VCV000127505.27), dbSNP rs587779889, ClinGen allele CA287118.

ClinVar aggregate classification (germline): Conflicting classifications of pathogenicity. Review status: criteria provided, conflicting classifications (1 of 4 stars). 5 submissions from 5 submitters: Uncertain significance (3); Likely benign (1). 1 of the submissions does not count toward it. Last evaluated 2025-09-10.

Conditions:
Hereditary cancer-predisposing syndrome. Also called: Hereditary Cancer Syndrome; Hereditary neoplastic syndrome; Tumor predisposition; Neoplastic Syndromes, Hereditary. Identifiers: Orphanet 140162, MedGen C0027672, MeSH D009386, MONDO:0015356.
Bloom syndrome (BLM). Also called: Bloom-Torre-Machacek syndrome. Identifiers: Orphanet 125, MedGen C0005859, MONDO:0008876, OMIM 210900.

Allele frequency attached by ClinVar (database versions not stated): ExAC 0.00001; gnomAD 0.00001; gnomAD exomes 0.00001 and 0.00002; TOPMed 0.00001.
gnomAD v4.1: 22 of 1,613,330 alleles (0.0014%); highest among the groups gnomAD compares: Non-Finnish European, 0.0017%; no homozygotes.

Submissions (5):

Quest Diagnostics Nichols Institute San Juan Capistrano
Classification: Uncertain significance. Last evaluated: 2025-09-10. Review status: criteria provided, single submitter. Criteria: Quest Diagnostics criteria. Collection method: clinical testing. Allele origin: unknown.
Comment: The BLM c.3892G>A (p.Gly1298Arg) variant has not been reported in individuals with BLM-related conditions in the published literature. The frequency of this variant in the general population (Genome Aggregation Database) is uninformative in the assessment of its pathogenicity. Analysis of this variant using bioinformatics tools for the prediction of the effect of amino acid changes on protein structure and function yielded predictions that this variant is benign. Based on the available information, we are unable to determine the clinical significance of this variant.

Labcorp Genetics (formerly Invitae), Labcorp
Classification: Uncertain significance for Bloom syndrome. Last evaluated: 2024-11-23. Review status: criteria provided, single submitter. Criteria: Invitae Variant Classification Sherloc (09022015). Collection method: clinical testing. Allele origin: germline.
Comment: This sequence change replaces glycine, which is neutral and non-polar, with arginine, which is basic and polar, at codon 1298 of the BLM protein (p.Gly1298Arg). This variant is present in population databases (rs587779889, gnomAD 0.004%). This variant has not been reported in the literature in individuals affected with BLM-related conditions. ClinVar contains an entry for this variant (Variation ID: 127505). Invitae Evidence Modeling of protein sequence and biophysical properties (such as structural, functional, and spatial information, amino acid conservation, physicochemical variation, residue mobility, and thermodynamic stability) indicates that this missense variant is not expected to disrupt BLM protein function with a negative predictive value of 80%. In summary, the available evidence is currently insufficient to determine the role of this variant in disease. Therefore, it has been classified as a Variant of Uncertain Significance.

Ambry Genetics
Classification: Likely benign for Hereditary cancer-predisposing syndrome. Last evaluated: 2017-08-24. Review status: criteria provided, single submitter. Criteria: Ambry Variant Classification Scheme 2023. Collection method: clinical testing. Allele origin: germline.

GeneDx
Classification: Uncertain significance. Last evaluated: 2014-01-23. Review status: criteria provided, single submitter. Criteria: GeneDx Variant Classification (06012015). Collection method: clinical testing. Allele origin: germline. Affected: yes.
Comment: Single pathogenic variants in BLM have only recently been described in association with cancer predisposition and the risks are not well understood. This variant is denoted BLM c.3892G>A at the cDNA level, p.Gly1298Arg (G1298R) at the protein level, and results in the change of a Glycine to an Arginine (GGG>AGG). This variant has not, to our knowledge, been published in the literature as pathogenic or benign. BLM Gly1298Arg was not observed in approximately 6,500 individuals of European and African American ancestry in the NHLBI Exome Sequencing Project, indicating it is not a common benign variant in these populations. This variant is a non-conservative substitution in which a neutral non-polar amino acid is replaced with a positive polar one, altering a position that is weakly conserved and tolerates the Gly>Arg change in many mammals. BLM Gly1298Arg is not located in a known functional domain (UniProt). In silico analyses predict this variant to have a benign effect on protein structure and function, and to have no effect on splicing. Based on currently available information, we consider this to be a variant of uncertain significance. Furthermore, cancer risks associated with this variant, and with single variants in the BLM gene in general, remain unclear.

Counsyl
Classification: Uncertain significance for Bloom syndrome. Last evaluated: 2017-12-28. Review status: no assertion criteria provided. Collection method: clinical testing. Allele origin: unknown. Not counted in ClinVar's aggregate classification.